The following is an entry in ClinVar:

NM_003119.4(SPG7):c.2047C>T (p.Leu683Phe)

Gene: SPG7 (SPG7 matrix AAA peptidase subunit, paraplegin; plus strand). Cytogenetic location: 16q24.3.
Variant type: single nucleotide variant.
Coding change: c.2047C>T on transcript NM_003119.4 (MANE Select); coding-DNA position 2047, C replaced by T.
Protein change: p.Leu683Phe; replaces leucine 683 with phenylalanine.
Molecular consequence: missense variant.
Genome position (GRCh38, 1-based): chr16:89,553,904, C>T. VCF-style: chr16-89553904-C-T. GRCh37 (hg19) VCF-style: chr16-89620312-C-T.
Other names: c.2047C>T, p.Leu683Phe (NM_001363850.1); short protein forms L683F.
Identifiers: ClinVar variation 1312262 (VCV001312262.4), dbSNP rs769512676, ClinGen allele CA397434250.

ClinVar aggregate classification (germline): Uncertain significance. Review status: criteria provided, multiple submitters, no conflicts (2 of 4 stars). 2 submissions from 2 submitters: Uncertain significance (2). Last evaluated 2024-01-25.

Conditions:
Hereditary spastic paraplegia 7 (SPG7). Also called: Spastic paraplegia 7; Hereditary spastic paraplegia Paraplegin type; SPASTIC PARAPLEGIA 7, AUTOSOMAL RECESSIVE, WITH OR WITHOUT CEREBELLAR ATAXIA; Autosomal recessive spastic paraplegia type 7; SPG7-related neurologic disorder. Identifiers: Orphanet 99013, MedGen C1846564, MONDO:0011803, OMIM 607259.

Submissions (2):

Labcorp Genetics (formerly Invitae), Labcorp
Classification: Uncertain significance for Hereditary spastic paraplegia 7. Last evaluated: 2024-01-25. Review status: criteria provided, single submitter. Criteria: Invitae Variant Classification Sherloc (09022015). Collection method: clinical testing. Allele origin: germline.
Comment: This sequence change replaces leucine, which is neutral and non-polar, with phenylalanine, which is neutral and non-polar, at codon 683 of the SPG7 protein (p.Leu683Phe). This variant is not present in population databases (gnomAD no frequency). This variant has not been reported in the literature in individuals affected with SPG7-related conditions. ClinVar contains an entry for this variant (Variation ID: 1312262). Advanced modeling of protein sequence and biophysical properties (such as structural, functional, and spatial information, amino acid conservation, physicochemical variation, residue mobility, and thermodynamic stability) performed at Invitae indicates that this missense variant is not expected to disrupt SPG7 protein function with a negative predictive value of 95%. In summary, the available evidence is currently insufficient to determine the role of this variant in disease. Therefore, it has been classified as a Variant of Uncertain Significance.

GeneDx
Classification: Uncertain significance. Last evaluated: 2019-09-24. Review status: criteria provided, single submitter. Criteria: GeneDx Variant Classification Process June 2021. Collection method: clinical testing. Allele origin: germline. Affected: yes.
Comment: Not observed in large population cohorts (Lek et al., 2016); In silico analysis, which includes protein predictors and evolutionary conservation, supports that this variant does not alter protein structure/function; Has not been previously published as pathogenic or benign to our knowledge